The following is an entry in ClinVar:

ClinVar aggregate classification (germline): Conflicting classifications of pathogenicity. Review status: criteria provided, conflicting classifications (1 of 4 stars). 3 submissions from 3 submitters: Uncertain significance (2); Likely benign (1). Last evaluated 2026-08-19.

Conditions:
Alport syndrome. Also called: Hemorrhagic familial nephritis; Hemorrhagic hereditary nephritis; Congenital hereditary hematuria. Identifiers: Orphanet 63, MedGen C1567741, MONDO:0018965.

Submissions (3):

Myriad Genetics, Inc.
Classification: Uncertain significance for Alport syndrome. Last evaluated: 2026-08-19. Review status: criteria provided, single submitter. Criteria: Myriad Autosomal Dominant, Autosomal Recessive and X-Linked Classification Criteria (2023). Collection method: clinical testing. Allele origin: unknown.
Comment: NM_000092.4(COL4A4):c.3770C>G(P1257R) is a missense variant classified as a variant of uncertain significance in the context of Alport syndrome, COL4A4-related. P1257R has been observed in cases with relevant disease (PMID: 39694697, 12028435). Relevant functional assessments of this variant are not available in the literature. P1257R has been observed in referenced population frequency databases. In summary, there is insufficient evidence to classify NM_000092.4(COL4A4):c.3770C>G(P1257R) as pathogenic or benign. Please note: this variant was assessed in the context of healthy population screening.

Labcorp Genetics (formerly Invitae), Labcorp
Classification: Likely benign. Last evaluated: 2025-10-01. Review status: criteria provided, single submitter. Criteria: Invitae Variant Classification Sherloc (09022015). Collection method: clinical testing. Allele origin: germline.

GeneDx
Classification: Uncertain significance. Last evaluated: 2024-01-11. Review status: criteria provided, single submitter. Criteria: GeneDx Variant Classification Process June 2021. Collection method: clinical testing. Allele origin: germline. Affected: yes.
Comment: Identified in a patient with a defined or possible diagnosis of Alport syndrome in published literature; it is unknown if other variants were identified in the same patient (PMID: 12028435); In silico analysis supports that this missense variant has a deleterious effect on protein structure/function; Occurs in the triple helical domain at the Y position in the canonical Gly-X-Y repeat; although this variant may have an effect on normal protein folding and function, missense substitution at the Y position is not a common mechanism of disease; This variant is associated with the following publications: (PMID: 12028435)

Literature cited by the submitters: PubMed 12028435 (cited by Myriad Genetics, Inc.); PubMed 39694697 (cited by Myriad Genetics, Inc.).

NM_000092.5(COL4A4):c.3770C>G (p.Pro1257Arg)

Gene: COL4A4 (collagen type IV alpha 4 chain; minus strand). Cytogenetic location: 2q36.3.
Variant type: single nucleotide variant.
Coding change: c.3770C>G on transcript NM_000092.5 (MANE Select); coding-DNA position 3770, C replaced by G.
Protein change: p.Pro1257Arg; replaces proline 1257 with arginine.
Molecular consequence: missense variant.
Genome position (GRCh38, 1-based): chr2:227,031,992, G>C on the plus strand (C>G on the coding strand, the complement: COL4A4 is on the minus strand). VCF-style: chr2-227031992-G-C. GRCh37 (hg19) VCF-style: chr2-227896708-G-C.
Other names: short protein forms P1257R.
Identifiers: ClinVar variation 2157540 (VCV002157540.6), dbSNP rs755884665, ClinGen allele CA2144425.